The following is an entry in ClinVar:

ClinVar aggregate classification (germline): Pathogenic/Likely pathogenic. Review status: criteria provided, multiple submitters, no conflicts (2 of 4 stars). 8 submissions from 8 submitters: Pathogenic (3); Likely pathogenic (3). 2 of the submissions do not count toward it. Last evaluated 2024-09-24.

Conditions:
Familial melanoma. Also called: Hereditary melanoma; Hereditary cutaneous melanoma. Identifiers: Orphanet 618, MedGen C1512419, MONDO:0018961.
Hereditary cancer-predisposing syndrome. Also called: Hereditary neoplastic syndrome; Tumor predisposition; Neoplastic Syndromes, Hereditary; Hereditary Cancer Syndrome. Identifiers: Orphanet 140162, MedGen C0027672, MeSH D009386, MONDO:0015356.
Melanoma-pancreatic cancer syndrome. Identifiers: Orphanet 404560, MedGen C1838547, MONDO:0011713, OMIM 606719. Disease mechanism: loss of function.
Melanoma, cutaneous malignant, susceptibility to, 2 (CMM2). Also called: CDKN2A-Related Cutaneous Malignant Melanoma; Cutaneous malignant melanoma 2. Identifiers: Orphanet 618, MedGen C1835044, MONDO:0007964, OMIM 155601.

Submissions (8):

Ambry Genetics
Classification: Pathogenic for Hereditary cancer-predisposing syndrome. Last evaluated: 2024-09-24. Review status: criteria provided, single submitter. Criteria: Ambry Variant Classification Scheme 2023. Collection method: clinical testing. Allele origin: germline.
Comment: The p.G89D pathogenic mutation (also known as c.266G>A), located in coding exon 2 of the CDKN2A gene, results from a G to A substitution at nucleotide position 266. The glycine at codon 89 is replaced by aspartic acid, an amino acid with similar properties. Of note, this variant is also known as c.309G>A (p.G103G) in the p14(ARF) isoform. This variant has been reported as a highly penetrant Icelandic founder mutation in the CDKN2A gene with a significantly increased risk of melanoma, head and neck cancers, and pancreatic cancer in carrier families (Goldstein AM et al. J Med Genet. 2008 May;45(5):284-9). In an in vitro cell proliferation assay, this variant was classified as functionally deleterious (Kimura H et al. Elife, 2022 01;11). This amino acid position is highly conserved in available vertebrate species. In addition, this alteration is predicted to be deleterious by in silico analysis. Based on the supporting evidence, this variant is interpreted as a disease-causing mutation.

Color Diagnostics, LLC DBA Color Health
Classification: Pathogenic for Hereditary cancer-predisposing syndrome. Last evaluated: 2023-02-27. Review status: criteria provided, single submitter. Criteria: ACMG Guidelines, 2015. Collection method: clinical testing. Allele origin: germline.
Comment: The CDKN2A locus encodes two different gene products, p16INK4a and p14ARF. This variant replaces glycine with aspartic acid at codon 89 of the CDKN2A (p16INK4A) protein. Computational prediction tool suggests that this variant may have deleterious impact on protein structure and function (internally defined REVEL score threshold >=0.7, PMID: 27666373). Functional studies have shown that this variant failed to suppress cell proliferation and showed cell cycle changes similar to known pathogenic variants (PMID: 35001868). This variant has been reported in multiple families and individuals affected with melanoma and/or pancreatic cancer (PMID: 18178632, 21462282, 33945383) and is reported to be associated with melanoma in a case-control study (PMID: 18178632). This variant has not been identified in the general population by the Genome Aggregation Database (gnomAD). Based on the available evidence, this variant is classified as Pathogenic.

Myriad Genetics, Inc.
Classification: Likely pathogenic for Melanoma-pancreatic cancer syndrome. Last evaluated: 2023-02-14. Review status: criteria provided, single submitter. Criteria: Myriad Autosomal Dominant, Autosomal Recessive and X-Linked Classification Criteria (2023). Collection method: clinical testing. Allele origin: unknown.
Comment: This variant is considered likely pathogenic. Functional studies indicate this variant impacts protein function [PMID: 35001868]. This variant is expected to disrupt protein structure [Myriad internal data]. This variant has been reported in multiple individuals with clinical features of gene-specific disease [PMID: 18178632, 33945383].

Clinical Genetics Laboratory, Skane University Hospital Lund
Classification: Likely pathogenic. Last evaluated: 2022-05-27. Review status: criteria provided, single submitter. Criteria: ACMG Guidelines, 2015. Collection method: clinical testing. Allele origin: germline. Affected: yes.

Sema4
Classification: Likely pathogenic for Hereditary cancer-predisposing syndrome. Last evaluated: 2021-09-12. Review status: criteria provided, single submitter. Criteria: Sema4 Curation Guidelines. Collection method: curation. Allele origin: germline.
Comment: The CDKN2A c.266G>A (p.G89D) variant has been reported as a highly-penetrant Icelandic founder mutation associated with significant increased risk for melanoma, head and neck cancers and pancreatic cancers (PMID: 18178632). It was also reported in a large Swedish family with multiple cutaneous melanomas and pancreatic cancers though relatives were not tested to see if the variant segregated with disease (PMID: 33945383). It was not observed in the Genome Aggregation Database. The variant has been reported in ClinVar (Variation ID 9426). In silico tools suggest the impact of the variant on protein function is deleterious, though these predictions have not been confirmed by functional studies. Based on the current evidence available, this variant is interpreted as likely pathogenic.

GeneDx
Classification: Pathogenic. Last evaluated: 2018-02-02. Review status: criteria provided, single submitter. Criteria: GeneDx Variant Classification (06012015). Collection method: clinical testing. Allele origin: germline. Affected: yes.
Comment: The G89D variant in the CDKN2A gene has been reported as a highly penetrant risk allele which isstrongly associated with increased melanoma risk, and is theorized to be an Icelandic pathogenicfounder variant (Goldstein et al., 2008). The G89D variant was not observed in approximately 6,400individuals of European and African American ancestry in the NHLBI Exome Sequencing Project,indicating it is not a common benign variant in these populations. This substitution occurs at aposition that is not conserved. However, this position is within the ANK 3 repeat domain (Uniprot).The G89D variant is a non-conservative amino acid substitution, which is likely to impact secondaryprotein structure as these residues differ in polarity, charge, size and/or other properties, and in silicoanalysis predicts this variant is probably damaging to the protein structure/function. Multiple missensevariants in nearby residues have been reported in the Human Gene Mutation Database in associationwith CDKN2A-related disorders (Stenson et al., 2014), supporting the functional importance of thisregion of the protein. Based on the currently available evidence, we consider G89D to be pathogenic.

OMIM
Classification: risk factor for MELANOMA, CUTANEOUS MALIGNANT, SUSCEPTIBILITY TO, 2. Last evaluated: 2017-08-17. Review status: no assertion criteria provided. Collection method: literature only. Allele origin: germline. Not counted in ClinVar's aggregate classification.

Labcorp Genetics (formerly Invitae), Labcorp
Classification: Uncertain significance for Familial melanoma. Last evaluated: 2023-12-06. Review status: flagged submission. Criteria: Invitae Variant Classification Sherloc (09022015). Collection method: clinical testing. Allele origin: germline. Not counted in ClinVar's aggregate classification.
Comment: This sequence change replaces glycine, which is neutral and non-polar, with aspartic acid, which is acidic and polar, at codon 89 of the CDKN2A (p16INK4a) protein (p.Gly89Asp). This variant is not present in population databases (gnomAD no frequency). This missense change has been observed in individual(s) with head and neck cancers, melanoma, and/or pancreatic carcinoma (PMID: 18178632; Invitae). It has also been observed to segregate with disease in related individuals. ClinVar contains an entry for this variant (Variation ID: 9426). An algorithm developed to predict the effect of missense changes on protein structure and function (PolyPhen-2) suggests that this variant is likely to be disruptive. Experimental studies have shown that this missense change affects CDKN2A (p16INK4a) function (PMID: 35001868). In summary, the available evidence is currently insufficient to determine the role of this variant in disease. Therefore, it has been classified as a Variant of Uncertain Significance.
ClinVar note: Notes: Claim is missing multiple pieces of evidence in support of pathogenicity.
ClinVar note: Reason: Outlier claim with insufficient supporting evidence

Literature cited by the submitters: PubMed 18178632 (cited by 5 submitters); PubMed 35001868 (cited by 4 submitters); PubMed 21462282 (cited by Color Diagnostics, LLC DBA Color Health); PubMed 33945383 (cited by 3 submitters); PubMed 15146471 (cited by OMIM).

NM_000077.5(CDKN2A):c.266G>A (p.Gly89Asp)

Gene: CDKN2A (cyclin dependent kinase inhibitor 2A; minus strand). Cytogenetic location: 9p21.3.
Variant type: single nucleotide variant.
Coding change: c.266G>A on transcript NM_000077.5; coding-DNA position 266, G replaced by A.
Protein change: p.Gly89Asp; replaces glycine 89 with aspartic acid.
Molecular consequence: missense variant (on NM_000077.6). On other transcripts: synonymous variant (1), 3 prime UTR variant (1).
Genome position (GRCh38, 1-based): chr9:21,971,093, C>T on the plus strand (G>A on the coding strand, the complement: CDKN2A is on the minus strand). VCF-style: chr9-21971093-C-T. GRCh37 (hg19) VCF-style: chr9-21971092-C-T.
Other names: c.266G>A, p.Gly89Asp (NM_000077.6, NM_001195132.2); c.113G>A, p.Gly38Asp (NM_001363763.2); c.309G>A, p.Gly103= (NM_058195.4); c.*189G>A (NM_058197.5); short protein forms G89D, G38D.
Identifiers: ClinVar variation 9426 (VCV000009426.24), dbSNP rs137854599, ClinGen allele CA120417.
Genomic context (GRCh38, chr9:21,971,093, plus strand): 5'-GCATCGCGCACGTCCAGCCGCGCCCCGGCCCGGTGCAGCACCACCAGCGTGTCCAGGAAG[C>T]CCTCCCGGGCAGCGTCGTGCACGGGTCGGGTGAGAGTGGCGGGGTCGGCGCAGTTGGGCT-3'
Protein context (NP_000068.1, residues 79-99): TRPVHDAARE[Gly89Asp]FLDTLVVLHR